The following is an entry in ClinVar:

NM_001042492.3(NF1):c.6029T>A (p.Val2010Glu)

Gene: NF1 (neurofibromin 1; plus strand). Cytogenetic location: 17q11.2.
Variant type: single nucleotide variant.
Coding change: c.6029T>A on transcript NM_001042492.3 (MANE Select); coding-DNA position 6029, T replaced by A.
Protein change: p.Val2010Glu; replaces valine 2010 with glutamic acid.
Molecular consequence: missense variant.
Genome position (GRCh38, 1-based): chr17:31,336,355, T>A. VCF-style: chr17-31336355-T-A. GRCh37 (hg19) VCF-style: chr17-29663373-T-A.
Other names: c.5966T>A, p.Val1989Glu (NM_000267.4); short protein forms V1989E, V2010E.
Identifiers: ClinVar variation 1330650 (VCV001330650.7), dbSNP rs2151553215, ClinGen allele CA399011042.

ClinVar aggregate classification (germline): Uncertain significance (1 of 4 stars; one submission).

Submission:

ARUP Laboratories, Molecular Genetics and Genomics, ARUP Laboratories
Classification: Uncertain significance. Last evaluated: 2020-12-10. Review status: criteria provided, single submitter. Criteria: ARUP Molecular Germline Variant Investigation Process 2021. Collection method: clinical testing. Allele origin: germline.
Comment: The NF1 c.6029T>A; p.Val2010Glu variant, to our knowledge, is not reported in the medical literature or gene specific databases. This variant is also absent from general population databases (Exome Variant Server, Genome Aggregation Database), indicating it is not a common polymorphism. The valine at codon 2010 is highly conserved, and computational analyses predict that this variant is deleterious (REVEL: 0.91). Based on available information, this variant is considered to be likely pathogenic.